The following is an entry in ClinVar:

ClinVar aggregate classification (germline): Uncertain significance. Review status: criteria provided, multiple submitters, no conflicts (2 of 4 stars). 2 submissions from 2 submitters: Uncertain significance (2). Last evaluated 2023-02-03.

Conditions:
Microcephaly, normal intelligence and immunodeficiency (NBS). Also called: IMMUNODEFICIENCY, MICROCEPHALY, AND CHROMOSOMAL INSTABILITY; Immunodeficiency, microcephaly with normal intelligence; SEEMANOVA SYNDROME II; Ataxia telangiectasia variant V1; Microcephaly with normal intelligence immunodeficiency and lymphoreticular malignancies; Nonsyndromal microcephaly autosomal recessive with normal intelligence. Identifiers: Orphanet 647, MedGen C0398791, MONDO:0009623, OMIM 251260.
Hereditary cancer-predisposing syndrome. Also called: Hereditary Cancer Syndrome; Hereditary neoplastic syndrome; Tumor predisposition; Neoplastic Syndromes, Hereditary. Identifiers: Orphanet 140162, MedGen C0027672, MeSH D009386, MONDO:0015356.

Allele frequency attached by ClinVar (database versions not stated): gnomAD exomes below 0.00001.

Submissions (2):

Ambry Genetics
Classification: Uncertain significance for Hereditary cancer-predisposing syndrome. Last evaluated: 2023-02-03. Review status: criteria provided, single submitter. Criteria: Ambry Variant Classification Scheme 2023. Collection method: clinical testing. Allele origin: germline.
Comment: The p.N666K variant (also known as c.1998C>G), located in coding exon 13 of the NBN gene, results from a C to G substitution at nucleotide position 1998. The asparagine at codon 666 is replaced by lysine, an amino acid with similar properties. This amino acid position is conserved. In addition, this alteration is predicted to be tolerated by in silico analysis. Since supporting evidence is limited at this time, the clinical significance of this alteration remains unclear.

Labcorp Genetics (formerly Invitae), Labcorp
Classification: Uncertain significance for Microcephaly, normal intelligence and immunodeficiency. Last evaluated: 2023-01-29. Review status: criteria provided, single submitter. Criteria: Invitae Variant Classification Sherloc (09022015). Collection method: clinical testing. Allele origin: germline.
Comment: In summary, the available evidence is currently insufficient to determine the role of this variant in disease. Therefore, it has been classified as a Variant of Uncertain Significance. Algorithms developed to predict the effect of missense changes on protein structure and function (SIFT, PolyPhen-2, Align-GVGD) all suggest that this variant is likely to be tolerated. ClinVar contains an entry for this variant (Variation ID: 1362892). This variant has not been reported in the literature in individuals affected with NBN-related conditions. This variant is present in population databases (no rsID available, gnomAD 0.0009%). This sequence change replaces asparagine, which is neutral and polar, with lysine, which is basic and polar, at codon 666 of the NBN protein (p.Asn666Lys).

NM_002485.5(NBN):c.1998C>G (p.Asn666Lys)

Gene: NBN (nibrin; minus strand). Cytogenetic location: 8q21.3.
Variant type: single nucleotide variant.
Coding change: c.1998C>G on transcript NM_002485.5 (MANE Select); coding-DNA position 1998, C replaced by G.
Protein change: p.Asn666Lys; replaces asparagine 666 with lysine.
Molecular consequence: missense variant.
Genome position (GRCh38, 1-based): chr8:89,946,212, G>C on the plus strand (C>G on the coding strand, the complement: NBN is on the minus strand). VCF-style: chr8-89946212-G-C. GRCh37 (hg19) VCF-style: chr8-90958440-G-C.
Other names: c.1998C>G (NM_002485.4); c.1752C>G, p.Asn584Lys (NM_001024688.3); short protein forms N584K, N666K.
Identifiers: ClinVar variation 1362892 (VCV001362892.9), dbSNP rs1057523508, ClinGen allele CA371676468.
Genomic context (GRCh38, chr8:89,946,212, plus strand): 5'-CTTGAAATTTTTTAGTTGACCATAATCATCATTTATGCCAGATGGATTTCTGGAAGTAGA[G>C]TTTTTAATCACCAGTGATCTAAATTCAGTCAATAACAGCTTTTTTGGAAGCATCTCACTA-3'
Protein context (NP_002476.2, residues 656-676): LTEFRSLVIK[Asn666Lys]STSRNPSGIN